The following is an entry in ClinVar:

ClinVar aggregate classification (germline): Uncertain significance (1 of 4 stars; one submission).

Conditions:
Cardiovascular phenotype. Identifiers: MedGen CN230736.

Submission:

Ambry Genetics
Classification: Uncertain significance for Cardiovascular phenotype. Last evaluated: 2025-12-30. Review status: criteria provided, single submitter. Criteria: Ambry Variant Classification Scheme 2023. Collection method: clinical testing. Allele origin: germline.
Comment: The p.G1430S variant (also known as c.4288G>A), located in coding exon 25 of the SCN10A gene, results from a G to A substitution at nucleotide position 4288. The glycine at codon 1430 is replaced by serine, an amino acid with similar properties. This amino acid position is conserved. In addition, this alteration is predicted to be deleterious by in silico analysis. Based on the available evidence, the clinical significance of this variant remains unclear.

NM_006514.4(SCN10A):c.4288G>A (p.Gly1430Ser)

Gene: SCN10A (sodium voltage-gated channel alpha subunit 10; minus strand). Cytogenetic location: 3p22.2.
Variant type: single nucleotide variant.
Coding change: c.4288G>A on transcript NM_006514.4 (MANE Select); coding-DNA position 4288, G replaced by A.
Protein change: p.Gly1430Ser; replaces glycine 1430 with serine.
Molecular consequence: missense variant.
Genome position (GRCh38, 1-based): chr3:38,707,377, C>T on the plus strand (G>A on the coding strand, the complement: SCN10A is on the minus strand). VCF-style: chr3-38707377-C-T. GRCh37 (hg19) VCF-style: chr3-38748868-C-T.
Other names: c.4285G>A, p.Gly1429Ser (NM_001293306.2); c.3994G>A, p.Gly1332Ser (NM_001293307.2); short protein forms G1429S, G1332S, G1430S.
Identifiers: ClinVar variation 4841932 (VCV004841932.1).